The following is an entry in ClinVar:

NM_032387.5(WNK4):c.2157+6G>C

Gene: WNK4 (WNK lysine deficient protein kinase 4; plus strand). Cytogenetic location: 17q21.2.
Variant type: single nucleotide variant.
Coding change: c.2157+6G>C on transcript NM_032387.5 (MANE Select); 6 bases into the intron after coding-DNA position 2157, G replaced by C.
Molecular consequence: intron variant.
Genome position (GRCh38, 1-based): chr17:42,788,803, G>C. VCF-style: chr17-42788803-G-C. GRCh37 (hg19) VCF-style: chr17-40940821-G-C.
Other names: p.?; c.1149+6G>C (NM_001321299.2).
Identifiers: ClinVar variation 760222 (VCV000760222.13), dbSNP rs61755607, ClinGen allele CA8584227.

ClinVar aggregate classification (germline): Conflicting classifications of pathogenicity. Review status: criteria provided, conflicting classifications (1 of 4 stars). 4 submissions from 4 submitters: Uncertain significance (1); Likely benign (3). Last evaluated 2025-12-14.

Conditions:
Pseudohypoaldosteronism type 2B (PHA2B). Also called: Pseudohypoaldosteronism Type IIB. Identifiers: Orphanet 757, Orphanet 88939, MedGen C1840390, MONDO:0013777, OMIM 614491.

Allele frequency attached by ClinVar (database versions not stated): gnomAD exomes 0.00014; 1000 Genomes Project 30x 0.00016; ExAC 0.00016; 1000 Genomes Project 0.00020; ESP Exome Variant Server 0.00062; gnomAD 0.00070 and 0.00077; TOPMed 0.00082.

Submissions (4):

Mayo Clinic Laboratories, Mayo Clinic
Classification: Likely benign. Last evaluated: 2025-12-14. Review status: criteria provided, single submitter. Criteria: ACMG Guidelines, 2015. Collection method: clinical testing. Allele origin: germline. Observed: 1 variant allele.
Comment: BP4, BP7

Labcorp Genetics (formerly Invitae), Labcorp
Classification: Likely benign. Last evaluated: 2025-10-21. Review status: criteria provided, single submitter. Criteria: Invitae Variant Classification Sherloc (09022015). Collection method: clinical testing. Allele origin: germline.

Women's Health and Genetics/Laboratory Corporation of America, LabCorp
Classification: Uncertain significance. Last evaluated: 2024-10-08. Review status: criteria provided, single submitter. Criteria: LabCorp Variant Classification Summary - May 2015. Collection method: clinical testing. Allele origin: germline.
Comment: Variant summary: WNK4 c.2157+6G>C alters a non-conserved nucleotide located close to a canonical splice site and therefore could affect mRNA splicing, leading to a significantly altered protein sequence. Consensus agreement among computation tools predict no significant impact on normal splicing. However, these predictions have yet to be confirmed by functional studies. The variant allele was found at a frequency of 0.00014 in 251456 control chromosomes. This frequency is not significantly higher than estimated for a pathogenic variant in WNK4 causing Pseudohypoaldosteronism Type 2B, allowing no conclusion about variant significance. To our knowledge, no occurrence of c.2157+6G>C in individuals affected with Pseudohypoaldosteronism Type 2B and no experimental evidence demonstrating its impact on protein function have been reported. ClinVar contains an entry for this variant (Variation ID: 760222). Based on the evidence outlined above, the variant was classified as uncertain significance.

Fulgent Genetics
Classification: Likely benign for Pseudohypoaldosteronism type 2B. Last evaluated: 2022-05-10. Review status: criteria provided, single submitter. Criteria: ACMG Guidelines, 2015. Collection method: clinical testing. Allele origin: unknown.